The following is an entry in ClinVar:

NM_001376.5(DYNC1H1):c.6732C>T (p.Leu2244=)

Gene: DYNC1H1 (dynein cytoplasmic 1 heavy chain 1; plus strand). Cytogenetic location: 14q32.31.
Variant type: single nucleotide variant.
Coding change: c.6732C>T on transcript NM_001376.5 (MANE Select); coding-DNA position 6732, C replaced by T.
Protein change: p.Leu2244=; no amino-acid change (leucine 2244 retained).
Molecular consequence: synonymous variant.
Genome position (GRCh38, 1-based): chr14:102,011,988, C>T. VCF-style: chr14-102011988-C-T. GRCh37 (hg19) VCF-style: chr14-102478325-C-T.
Identifiers: ClinVar variation 392458 (VCV000392458.9), dbSNP rs572885000, ClinGen allele CA7352670.

ClinVar aggregate classification (germline): Likely benign. Review status: criteria provided, multiple submitters, no conflicts (2 of 4 stars). 2 submissions from 2 submitters: Likely benign (2). Last evaluated 2024-09-12.

Conditions:
Charcot-Marie-Tooth disease axonal type 2O. Also called: Charcot-Marie-Tooth disease, axonal, type 20; CHARCOT-MARIE-TOOTH NEUROPATHY, AXONAL, TYPE 2O; CHARCOT-MARIE-TOOTH DISEASE, AXONAL, AUTOSOMAL DOMINANT, TYPE 2O; Charcot-Marie-Tooth Neuropathy Type 2O. Identifiers: Orphanet 284232, MedGen C3280220, MONDO:0013644, OMIM 614228.

Allele frequency attached by ClinVar (database versions not stated): TOPMed 0.00002; ExAC 0.00003; gnomAD 0.00004; 1000 Genomes Project 30x 0.00016; 1000 Genomes Project 0.00020.
gnomAD v4.1: 24 of 1,614,032 alleles (0.0015%); highest among the groups gnomAD compares: African/African-American, 0.0093%; no homozygotes.

Submissions (2):

Labcorp Genetics (formerly Invitae), Labcorp
Classification: Likely benign for Charcot-Marie-Tooth disease axonal type 2O. Last evaluated: 2024-09-12. Review status: criteria provided, single submitter. Criteria: Invitae Variant Classification Sherloc (09022015). Collection method: clinical testing. Allele origin: germline.

GeneDx
Classification: Likely benign. Last evaluated: 2017-01-05. Review status: criteria provided, single submitter. Criteria: GeneDx Variant Classification (06012015). Collection method: clinical testing. Allele origin: germline. Affected: yes.
Comment: This variant is considered likely benign or benign based on one or more of the following criteria: it is a conservative change, it occurs at a poorly conserved position in the protein, it is predicted to be benign by multiple in silico algorithms, and/or has population frequency not consistent with disease.